The following is an entry in ClinVar:

ClinVar aggregate classification (germline): Likely pathogenic (1 of 4 stars; one submission).

Conditions:
Multiple congenital anomalies-hypotonia-seizures syndrome 1 (MCAHS1). Also called: PIGN-CDG; Congenital disorder of glycosylation due to PIGN deficiency; GLYCOSYLPHOSPHATIDYLINOSITOL BIOSYNTHESIS DEFECT 3. Identifiers: Orphanet 280633, MedGen C3279775, MONDO:0013563, OMIM 614080.

Submission:

Labcorp Genetics (formerly Invitae), Labcorp
Classification: Likely pathogenic for Multiple congenital anomalies-hypotonia-seizures syndrome 1. Last evaluated: 2020-01-13. Review status: criteria provided, single submitter. Criteria: Invitae Variant Classification Sherloc (09022015). Collection method: clinical testing. Allele origin: germline.
Comment: In summary, the currently available evidence indicates that the variant is pathogenic, but additional data are needed to prove that conclusively. Therefore, this variant has been classified as Likely Pathogenic. Donor and acceptor splice site variants typically lead to a loss of protein function (PMID: 16199547), and loss-of-function variants in PIGN are known to be pathogenic (PMID: 24253414, 27038415). Algorithms developed to predict the effect of sequence changes on RNA splicing suggest that this variant may disrupt the consensus splice site, but this prediction has not been confirmed by published transcriptional studies. This variant has not been reported in the literature in individuals with PIGN-related conditions. This variant is not present in population databases (ExAC no frequency). This sequence change affects an acceptor splice site in intron 28 of the PIGN gene. It is expected to disrupt RNA splicing and likely results in an absent or disrupted protein product.

Literature cited by the submitters: PubMed 16199547; PubMed 24253414; PubMed 27038415.

NM_176787.5(PIGN):c.2577-1G>A

Gene: PIGN (phosphatidylinositol glycan anchor biosynthesis class N; minus strand). Cytogenetic location: 18q21.33.
Variant type: single nucleotide variant.
Coding change: c.2577-1G>A on transcript NM_176787.5 (MANE Select); the canonical splice acceptor site of the intron before coding-DNA position 2577, G replaced by A.
Molecular consequence: splice acceptor variant.
Genome position (GRCh38, 1-based): chr18:62,074,822, C>T on the plus strand (G>A on the coding strand, the complement: PIGN is on the minus strand). VCF-style: chr18-62074822-C-T. GRCh37 (hg19) VCF-style: chr18-59742055-C-T.
Other names: c.2577-1G>A (NM_012327.6).
Identifiers: ClinVar variation 836210 (VCV000836210.8), dbSNP rs2033087760, ClinGen allele CA402723632.